The following is an entry in ClinVar:

ClinVar aggregate classification (germline): Uncertain significance (1 of 4 stars; one submission).

Conditions:
Early-infantile DEE. Also called: Early infantile epileptic encephalopathy; Early infantile epileptic encephalopathy with suppression bursts; Ohtahara syndrome. Identifiers: Orphanet 1934, MedGen C0393706, MONDO:0800491.

Submission:

Labcorp Genetics (formerly Invitae), Labcorp
Classification: Uncertain significance for Early-infantile DEE. Last evaluated: 2023-11-24. Review status: criteria provided, single submitter. Criteria: Invitae Variant Classification Sherloc (09022015). Collection method: clinical testing. Allele origin: germline.
Comment: This sequence change replaces tyrosine, which is neutral and polar, with histidine, which is basic and polar, at codon 1769 of the SCN1A protein (p.Tyr1769His). This variant is not present in population databases (gnomAD no frequency). This missense change has been observed in individual(s) with generalized epilepsy and febrile seizures plus (PMID: 18076640). Advanced modeling of protein sequence and biophysical properties (such as structural, functional, and spatial information, amino acid conservation, physicochemical variation, residue mobility, and thermodynamic stability) performed at Invitae indicates that this missense variant is expected to disrupt SCN1A protein function with a positive predictive value of 95%. In summary, the available evidence is currently insufficient to determine the role of this variant in disease. Therefore, it has been classified as a Variant of Uncertain Significance.

Literature cited by the submitters: PubMed 18076640.

NM_001165963.4(SCN1A):c.5305T>C (p.Tyr1769His)

Genes: SCN1A (sodium voltage-gated channel alpha subunit 1; minus strand), LOC102724058 (uncharacterized LOC102724058; plus strand). Cytogenetic location: 2q24.3.
Variant type: single nucleotide variant.
Coding change: c.5305T>C on transcript NM_001165963.4 (MANE Select); coding-DNA position 5305, T replaced by C.
Protein change: p.Tyr1769His; replaces tyrosine 1769 with histidine.
Molecular consequence: missense variant. On other transcripts: non-coding transcript variant (1).
Genome position (GRCh38, 1-based): chr2:165,991,970, A>G on the plus strand (T>C on the coding strand, the complement: SCN1A is on the minus strand). VCF-style: chr2-165991970-A-G. GRCh37 (hg19) VCF-style: chr2-166848480-A-G.
Other names: c.5221T>C, p.Tyr1741His (NM_001165964.3, NM_001353957.2, NM_001353958.2); c.5305T>C, p.Tyr1769His (NM_001202435.3, NM_001353948.2); c.5272T>C, p.Tyr1758His (NM_001353949.2, NM_001353950.2, NM_001353951.2 and 2 more transcripts); c.5269T>C, p.Tyr1757His (NM_001353954.2, NM_001353955.2); c.5218T>C, p.Tyr1740His (NM_001353960.2); c.2863T>C, p.Tyr955His (NM_001353961.2); short protein forms Y1757H, Y1740H, Y1741H, Y1769H, Y955H, Y1758H.
Identifiers: ClinVar variation 2734297 (VCV002734297.3), dbSNP rs2468333985, ClinGen allele CA349068205.
Genomic context (GRCh38, chr2:165,991,970, plus strand): 5'-AGTTCTCCAGGATGACCGCGATGTACATGTTCACCACAACCAGGAAGGATATGATGATGT[A>G]ACTGACAAAAAAGAAAATTCCAACAGATGGGTTCCCACAGTCTCCCTTAACTGAGCTTCC-3'
Protein context (NP_001159435.1, residues 1759-1779): PSVGIFFFVS[Tyr1769His]IIISFLVVVN